The following is an entry in ClinVar:

NM_001012759.3(CTU2):c.1420-3C>T

Gene: CTU2 (cytosolic thiouridylase subunit 2; plus strand). Cytogenetic location: 16q24.3.
Variant type: single nucleotide variant.
Coding change: c.1420-3C>T on transcript NM_001012759.3 (MANE Select); 3 bases into the intron before coding-DNA position 1420, C replaced by T.
Molecular consequence: intron variant.
Genome position (GRCh38, 1-based): chr16:88,715,045, C>T. VCF-style: chr16-88715045-C-T. GRCh37 (hg19) VCF-style: chr16-88781453-C-T.
Other names: c.1633-3C>T (NM_001318507.2); c.1419+119C>T (NM_001012762.3); c.1159-3C>T (NM_001318513.2).
Identifiers: ClinVar variation 4535660 (VCV004535660.1).

ClinVar aggregate classification (germline): Uncertain significance (1 of 4 stars; one submission).

gnomAD v4.1: 18 of 1,575,250 alleles (0.0011%); highest among the groups gnomAD compares: Non-Finnish European, 0.0015%; no homozygotes.

Submission:

Women's Health and Genetics/Laboratory Corporation of America, LabCorp
Classification: Uncertain significance. Last evaluated: 2025-09-09. Review status: criteria provided, single submitter. Criteria: LabCorp Variant Classification Summary - May 2015. Collection method: clinical testing. Allele origin: germline.
Comment: Variant summary: CTU2 c.1420-3C>T alters a conserved nucleotide located close to a canonical splice site and therefore could affect mRNA splicing, leading to a significantly altered protein sequence. Consensus agreement among computation tools predict no significant impact on normal splicing. However, these predictions have yet to be confirmed by functional studies. The variant allele was found at a frequency of 4.7e-06 in 213952 control chromosomes. The available data on variant occurrences in the general population are insufficient to allow any conclusion about variant significance. To our knowledge, no occurrence of c.1420-3C>T in individuals affected with CTU2-related conditions and no experimental evidence demonstrating its impact on protein function have been reported. No submitters have cited clinical-significance assessments for this variant to ClinVar. Based on the evidence outlined above, the variant was classified as uncertain significance.